The following is an entry in ClinVar:

ClinVar aggregate classification (germline): Likely benign (1 of 4 stars; one submission).

Allele frequency attached by ClinVar (database versions not stated): ExAC 0.00001.

Submission:

CeGaT Center for Human Genetics Tuebingen
Classification: Likely benign. Last evaluated: 2022-11-01. Review status: criteria provided, single submitter. Criteria: CeGaT Center For Human Genetics Tuebingen Variant Classification Criteria Version 2. Collection method: clinical testing. Allele origin: germline. Affected: yes. Observed: 1 variant allele.
Comment: SARS2: BP4

NM_017827.4(SARS2):c.142G>A (p.Ala48Thr)

Genes: SARS2 (seryl-tRNA synthetase 2, mitochondrial; minus strand), LOC130064387 (ATAC-STARR-seq lymphoblastoid active region 14604; plus strand). Cytogenetic location: 19q13.2.
Variant type: single nucleotide variant.
Coding change: c.142G>A on transcript NM_017827.4 (MANE Select); coding-DNA position 142, G replaced by A.
Protein change: p.Ala48Thr; replaces alanine 48 with threonine.
Molecular consequence: missense variant.
Genome position (GRCh38, 1-based): chr19:38,930,595, C>T on the plus strand (G>A on the coding strand, the complement: SARS2 is on the minus strand). VCF-style: chr19-38930595-C-T. GRCh37 (hg19) VCF-style: chr19-39421235-C-T.
Other names: c.142G>A, p.Ala48Thr (NM_001145901.2); short protein forms A48T.
Identifiers: ClinVar variation 2649827 (VCV002649827.24), dbSNP rs769114619, ClinGen allele CA9423342.